The following is an entry in ClinVar:

NM_000081.4(LYST):c.9647G>A (p.Arg3216His)

Gene: LYST (lysosomal trafficking regulator; minus strand). Cytogenetic location: 1q42.3.
Variant type: single nucleotide variant.
Coding change: c.9647G>A on transcript NM_000081.4 (MANE Select); coding-DNA position 9647, G replaced by A.
Protein change: p.Arg3216His; replaces arginine 3216 with histidine.
Molecular consequence: missense variant.
Genome position (GRCh38, 1-based): chr1:235,715,338, C>T on the plus strand (G>A on the coding strand, the complement: LYST is on the minus strand). VCF-style: chr1-235715338-C-T. GRCh37 (hg19) VCF-style: chr1-235878638-C-T.
Other names: c.9647G>A, p.Arg3216His (NM_001301365.1); c.9647G>A (NM_000081.2); short protein forms R3216H.
Identifiers: ClinVar variation 2169151 (VCV002169151.6), dbSNP rs911153079, ClinGen allele CA39598986.
Genomic context (GRCh38, chr1:235,715,338, plus strand): 5'-TGGGAGCCATAGTGATAGGGCTGCACGGGAGGCATGGGGTCATCTTCTCTGGCTCCTTTG[C>T]GGTACTCTTCCTCCAAGTACTGAAAGAAACGGTGAATCCAGAGAATTCATGATTGTGGGC-3'
Protein context (NP_000072.2, residues 3206-3226): DTYKYLEEEY[Arg3216His]KGAREDDPMP

ClinVar aggregate classification (germline): Uncertain significance. Review status: criteria provided, multiple submitters, no conflicts (2 of 4 stars). 4 submissions from 4 submitters: Uncertain significance (4). Last evaluated 2024-04-04.

Conditions:
Chédiak-Higashi syndrome (CHS). Also called: Chediak-Higashi Syndrome. Identifiers: Orphanet 167, MedGen C0007965, MONDO:0008963, OMIM 214500.
Inborn genetic diseases. Identifiers: MedGen C0950123, MeSH D030342.

Allele frequency attached by ClinVar (database versions not stated): gnomAD 0.00001; gnomAD exomes 0.00001; TOPMed 0.00003.
gnomAD v4.1: 12 of 1,613,694 alleles (0.00074%); highest among the groups gnomAD compares: South Asian, 0.0033%; no homozygotes.

Submissions (4):

Fulgent Genetics
Classification: Uncertain significance for Chédiak-Higashi syndrome. Last evaluated: 2024-04-04. Review status: criteria provided, single submitter. Criteria: ACMG Guidelines, 2015. Collection method: clinical testing. Allele origin: germline.

Ambry Genetics
Classification: Uncertain significance for Inborn genetic diseases. Last evaluated: 2022-09-07. Review status: criteria provided, single submitter. Criteria: Ambry Variant Classification Scheme 2023. Collection method: clinical testing. Allele origin: germline.

Labcorp Genetics (formerly Invitae), Labcorp
Classification: Uncertain significance for Chédiak-Higashi syndrome. Last evaluated: 2022-08-15. Review status: criteria provided, single submitter. Criteria: Invitae Variant Classification Sherloc (09022015). Collection method: clinical testing. Allele origin: germline.
Comment: This sequence change replaces arginine, which is basic and polar, with histidine, which is basic and polar, at codon 3216 of the LYST protein (p.Arg3216His). This variant is present in population databases (no rsID available, gnomAD 0.01%). This variant has not been reported in the literature in individuals affected with LYST-related conditions. Algorithms developed to predict the effect of missense changes on protein structure and function are either unavailable or do not agree on the potential impact of this missense change (SIFT: "Tolerated"; PolyPhen-2: "Probably Damaging"; Align-GVGD: "Class C0"). In summary, the available evidence is currently insufficient to determine the role of this variant in disease. Therefore, it has been classified as a Variant of Uncertain Significance.

Revvity Omics, Revvity
Classification: Uncertain significance for Chédiak-Higashi syndrome. Last evaluated: 2019-04-29. Review status: criteria provided, single submitter. Criteria: ACMG Guidelines, 2015. Collection method: clinical testing. Allele origin: germline.